The following is an entry in ClinVar:

NM_006514.4(SCN10A):c.5700T>A (p.Asn1900Lys)

Gene: SCN10A (sodium voltage-gated channel alpha subunit 10; minus strand). Cytogenetic location: 3p22.2.
Variant type: single nucleotide variant.
Coding change: c.5700T>A on transcript NM_006514.4 (MANE Select); coding-DNA position 5700, T replaced by A.
Protein change: p.Asn1900Lys; replaces asparagine 1900 with lysine.
Molecular consequence: missense variant.
Genome position (GRCh38, 1-based): chr3:38,697,520, A>T on the plus strand (T>A on the coding strand, the complement: SCN10A is on the minus strand). VCF-style: chr3-38697520-A-T. GRCh37 (hg19) VCF-style: chr3-38739011-A-T.
Other names: c.5697T>A, p.Asn1899Lys (NM_001293306.2); c.5406T>A, p.Asn1802Lys (NM_001293307.2); short protein forms N1802K, N1899K, N1900K.
Identifiers: ClinVar variation 1040345 (VCV001040345.7), dbSNP rs764330725, ClinGen allele CA2319619.
Genomic context (GRCh38, chr3:38,697,520, plus strand): 5'-GGACGGTGGGAATGATGTGGCAGAAGCAGTTTCAGATTTGTCTGGGAGTACACAATTTTC[A>T]TTTGCTGTGAATGCAACAAAACCTTCATCTGGGAGTGATGCAGCCTCCTCCTCAGCTCTG-3'
Protein context (NP_006505.4, residues 1890-1910): PDEGFVAFTA[Asn1900Lys]ENCVLPDKSE

ClinVar aggregate classification (germline): Uncertain significance. Review status: criteria provided, multiple submitters, no conflicts (2 of 4 stars). 4 submissions from 4 submitters: Uncertain significance (4). Last evaluated 2023-08-28.

Conditions:
Cardiovascular phenotype. Identifiers: MedGen CN230736.
Brugada syndrome. Also called: Sudden Unexplained Death Syndrome; Sudden Unexplained Nocturnal Death Syndrome (SUNDS); Sudden unexplained nocturnal death syndrome; Sudden unexpected nocturnal death syndrome. Identifiers: Orphanet 130, MedGen C1142166, MONDO:0015263.

Allele frequency attached by ClinVar (database versions not stated): gnomAD 0.00001; gnomAD exomes 0.00001 and 0.00002; ExAC 0.00002; TOPMed 0.00002.
gnomAD v4.1: 22 of 1,614,032 alleles (0.0014%); highest among the groups gnomAD compares: Admixed American, 0.0067%; no homozygotes.

Submissions (4):

Blueprint Genetics
Classification: Uncertain significance. Last evaluated: 2023-08-28. Review status: criteria provided, single submitter. Criteria: ACMG Guidelines, 2015. Collection method: clinical testing. Allele origin: germline.

Ambry Genetics
Classification: Uncertain significance for Cardiovascular phenotype. Last evaluated: 2023-08-11. Review status: criteria provided, single submitter. Criteria: Ambry Variant Classification Scheme 2023. Collection method: clinical testing. Allele origin: germline.
Comment: The p.N1900K variant (also known as c.5700T>A), located in coding exon 27 of the SCN10A gene, results from a T to A substitution at nucleotide position 5700. The asparagine at codon 1900 is replaced by lysine, an amino acid with similar properties. This amino acid position is not well conserved in available vertebrate species. In addition, this alteration is predicted to be tolerated by in silico analysis. Since supporting evidence is limited at this time, the clinical significance of this alteration remains unclear.

Labcorp Genetics (formerly Invitae), Labcorp
Classification: Uncertain significance for Brugada syndrome. Last evaluated: 2022-05-02. Review status: criteria provided, single submitter. Criteria: Invitae Variant Classification Sherloc (09022015). Collection method: clinical testing. Allele origin: germline.
Comment: This sequence change replaces asparagine, which is neutral and polar, with lysine, which is basic and polar, at codon 1900 of the SCN10A protein (p.Asn1900Lys). This variant is present in population databases (rs764330725, gnomAD 0.006%). This variant has not been reported in the literature in individuals affected with SCN10A-related conditions. ClinVar contains an entry for this variant (Variation ID: 1040345). Advanced modeling of protein sequence and biophysical properties (such as structural, functional, and spatial information, amino acid conservation, physicochemical variation, residue mobility, and thermodynamic stability) performed at Invitae indicates that this missense variant is not expected to disrupt SCN10A protein function. In summary, the available evidence is currently insufficient to determine the role of this variant in disease. Therefore, it has been classified as a Variant of Uncertain Significance.

Breakthrough Genomics
Classification: Uncertain significance. Review status: criteria provided, single submitter. Criteria: ACMG Guidelines, 2015. Collection method: not provided. Allele origin: germline. Inheritance: Autosomal dominant inheritance. Affected: yes.